The following is an entry in ClinVar:

NM_000074.3(CD40LG):c.346+1G>A

Gene: CD40LG (CD40 ligand; plus strand). Cytogenetic location: Xq26.3.
Variant type: single nucleotide variant.
Coding change: c.346+1G>A on transcript NM_000074.3 (MANE Select); the canonical splice donor site of the intron after coding-DNA position 346, G replaced by A.
Molecular consequence: splice donor variant.
Genome position (GRCh38, 1-based): chrX:136,654,431, G>A. VCF-style: chrX-136654431-G-A. GRCh37 (hg19) VCF-style: chrX-135736590-G-A.
Identifiers: ClinVar variation 1074317 (VCV001074317.9), dbSNP rs2148552407, ClinGen allele CA414754902.
Genomic context (GRCh38, chrX:136,654,431, plus strand): 5'-AGGATATAATGTTAAACAAAGAGGAGACGAAGAAAGAAAACAGCTTTGAAATGCAAAAAG[G>A]TAGGTTTGCTATTTGCTAATTTCTATGAATGCCTAAAAACTAAAAGGAAGCTTTAGGCTG-3'

ClinVar aggregate classification (germline): Pathogenic (1 of 4 stars; one submission).

Conditions:
Hyper-IgM syndrome type 1. Also called: CD40 Ligand Deficiency; X-linked hyper-IgM syndrome; Immunodeficiency, X-linked, with hyper-IgM; Hyper-IgM Immunodeficiency Syndrome, Type 1. Identifiers: Orphanet 101088, MedGen C0398689, MONDO:0010626, OMIM 308230.

Submission:

Labcorp Genetics (formerly Invitae), Labcorp
Classification: Pathogenic for Hyper-IgM syndrome type 1. Last evaluated: 2022-10-02. Review status: criteria provided, single submitter. Criteria: Invitae Variant Classification Sherloc (09022015). Collection method: clinical testing. Allele origin: germline.
Comment: For these reasons, this variant has been classified as Pathogenic. Algorithms developed to predict the effect of sequence changes on RNA splicing suggest that this variant may disrupt the consensus splice site. ClinVar contains an entry for this variant (Variation ID: 1074317). This variant is also known as IVS3+1 g>a. Disruption of this splice site has been observed in individuals with hyper-IgM syndrome (PMID: 15358621). This variant is not present in population databases (gnomAD no frequency). This sequence change affects a donor splice site in intron 3 of the CD40LG gene. It is expected to disrupt RNA splicing. Variants that disrupt the donor or acceptor splice site typically lead to a loss of protein function (PMID: 16199547), and loss-of-function variants in CD40LG are known to be pathogenic (PMID: 15319456).

Literature cited by the submitters: PubMed 15358621; PubMed 16199547; PubMed 15319456.